The following is an entry in ClinVar:

NM_000059.4(BRCA2):c.2127G>C (p.Leu709=)

Gene: BRCA2 (BRCA2 DNA repair associated; plus strand). Cytogenetic location: 13q13.1.
Variant type: single nucleotide variant.
Coding change: c.2127G>C on transcript NM_000059.4 (MANE Select); coding-DNA position 2127, G replaced by C.
Protein change: p.Leu709=; no amino-acid change (leucine 709 retained).
Molecular consequence: synonymous variant.
Genome position (GRCh38, 1-based): chr13:32,336,482, G>C. VCF-style: chr13-32336482-G-C. GRCh37 (hg19) VCF-style: chr13-32910619-G-C.
Identifiers: ClinVar variation 184775 (VCV000184775.38), dbSNP rs554040246, ClinGen allele CA014402.

ClinVar aggregate classification (germline): Benign. Review status: reviewed by expert panel (3 of 4 stars). 14 submissions from 14 submitters: Benign (1). 13 of the submissions do not count toward it. Last evaluated 2017-06-29.

Conditions:
Hereditary cancer-predisposing syndrome. Also called: Tumor predisposition; Neoplastic Syndromes, Hereditary; Hereditary Cancer Syndrome; Hereditary neoplastic syndrome. Identifiers: Orphanet 140162, MedGen C0027672, MeSH D009386, MONDO:0015356.
Breast neoplasm. Also called: Neoplasm of breast; Breast tumor; Neoplasm of the breast; Breast Neoplasms. Identifiers: MedGen C1458155, MeSH D001943, MONDO:0021100, HP:0100013. Disease mechanism: gain of function.
Hereditary breast ovarian cancer syndrome. Also called: Hereditary breast and ovarian cancer; Hereditary breast and ovarian cancer syndrome (HBOC); Breast and ovarian cancer; Hereditary breast and/or ovarian cancer syndrome; BRCA1- and BRCA2-Associated Hereditary Breast and Ovarian Cancer; Hereditary breast and ovarian cancer syndrome. Identifiers: Orphanet 145, MedGen C0677776, MeSH D061325, MONDO:0003582. Disease mechanism: loss of function.
Breast-ovarian cancer, familial, susceptibility to, 2 (BROVCA2). Also called: BRCA2 Hereditary Breast and Ovarian Cancer. Identifiers: Orphanet 145, MedGen C2675520, MONDO:0012933, OMIM 612555. Disease mechanism: loss of function.
Malignant tumor of breast. Also called: Malignant breast neoplasm; Cancer breast. Identifiers: MedGen C0006142, MONDO:0007254. Disease mechanism: loss of function.

Allele frequency attached by ClinVar (database versions not stated): gnomAD 0.00003 and 0.00001; TOPMed 0.00004; gnomAD exomes 0.00007; ExAC 0.00008.
gnomAD v4.1: 59 of 1,614,058 alleles (0.0037%); highest among the groups gnomAD compares: East Asian, 0.13%; no homozygotes.

Submissions (14):

Evidence-based Network for the Interpretation of Germline Mutant Alleles (ENIGMA)
Classification: Benign for Breast-ovarian cancer, familial, susceptibility to, 2. Last evaluated: 2017-06-29. Review status: reviewed by expert panel. Criteria: ENIGMA BRCA1/2 Classification Criteria (2017-06-29). Collection method: curation. Allele origin: germline.
Comment: Synonymous substitution variant, with low bioinformatic likelihood to alter mRNA splicing (splicing prior 0.02) and frequency 0.0013 (East Asian), derived from ExAC (2014-12-17).

Labcorp Genetics (formerly Invitae), Labcorp
Classification: Benign for Hereditary breast ovarian cancer syndrome. Last evaluated: 2026-02-02. Review status: criteria provided, single submitter. Criteria: Invitae Variant Classification Sherloc (09022015). Collection method: clinical testing. Allele origin: germline. Not counted in ClinVar's aggregate classification.

CeGaT Center for Human Genetics Tuebingen
Classification: Likely benign. Last evaluated: 2025-05-01. Review status: criteria provided, single submitter. Criteria: CeGaT Center For Human Genetics Tuebingen Variant Classification Criteria Version 2. Collection method: clinical testing. Allele origin: germline. Affected: yes. Observed: 1 variant allele. Not counted in ClinVar's aggregate classification.
Comment: BRCA2: BP4, BP7

All of Us Research Program, National Institutes of Health
Classification: Likely benign for Breast-ovarian cancer, familial, susceptibility to, 2. Last evaluated: 2024-01-08. Review status: criteria provided, single submitter. Criteria: ACMG Guidelines, 2015. Collection method: clinical testing. Allele origin: germline. Inheritance: Autosomal dominant inheritance. Observed: 10 variant alleles, 10 heterozygotes. Not counted in ClinVar's aggregate classification.
Comment: This study involves interpretation of variants in research participants for the purpose of population health screening. Participant phenotype was not available at the time of variant classification. Additional details can be found in publication PMID: 35346344, PMCID: PMC8962531

Sema4
Classification: Likely benign for Hereditary cancer-predisposing syndrome. Last evaluated: 2021-11-23. Review status: criteria provided, single submitter. Criteria: Sema4 Curation Guidelines. Collection method: curation. Allele origin: germline. Not counted in ClinVar's aggregate classification.

Mendelics
Classification: Likely benign for Breast-ovarian cancer, familial, susceptibility to, 2. Last evaluated: 2019-05-28. Review status: criteria provided, single submitter. Criteria: Mendelics Assertion Criteria 2017. Collection method: clinical testing. Allele origin: unknown. Not counted in ClinVar's aggregate classification.

Women's Health and Genetics/Laboratory Corporation of America, LabCorp
Classification: Benign. Last evaluated: 2019-02-25. Review status: criteria provided, single submitter. Criteria: LabCorp Variant Classification Summary - May 2015. Collection method: clinical testing. Allele origin: germline. Not counted in ClinVar's aggregate classification.
Comment: Variant summary: BRCA2 c.2127G>C alters a non-conserved nucleotide resulting in a synonymous change. 4/4 computational tools predict no significant impact on normal splicing. However, these predictions have yet to be confirmed by functional studies. The variant allele was found at a frequency of 6.9e-05 in 245968 control chromosomes, predominantly at a frequency of 0.00099 within the East Asian subpopulation in the gnomAD database. The observed variant frequency within East Asian control individuals in the gnomAD database is approximately 1.32 fold of the estimated maximal expected allele frequency for a pathogenic variant in BRCA2 causing Hereditary Breast and Ovarian Cancer phenotype (0.00075), strongly suggesting that the variant is a benign polymorphism found primarily in populations of East Asian origin. The variant has been described in several sequencing studies in patients of Eastern Asian origin consistent with the occurrences seen in the gnomAD database. Five clinical diagnostic laboratories have submitted clinical-significance assessments for this variant to ClinVar after 2014 without evidence for independent evaluation, four of whom classified the variant as benign (n=4)/likely benign (n=1). Based on the evidence outlined above, the variant was classified as benign.

Quest Diagnostics Nichols Institute San Juan Capistrano
Classification: Benign. Last evaluated: 2018-12-27. Review status: criteria provided, single submitter. Criteria: Quest Diagnostics criteria. Collection method: clinical testing. Allele origin: germline. Not counted in ClinVar's aggregate classification.

Color Diagnostics, LLC DBA Color Health
Classification: Likely benign for Hereditary cancer-predisposing syndrome. Last evaluated: 2016-05-29. Review status: criteria provided, single submitter. Criteria: ACMG Guidelines, 2015. Collection method: clinical testing. Allele origin: germline. Not counted in ClinVar's aggregate classification.

Laboratory of Molecular Diagnosis of Cancer, West China Hospital, Sichuan University
Classification: Uncertain significance for Breast neoplasm. Last evaluated: 2015-11-01. Review status: criteria provided, single submitter. Criteria: ACMG Guidelines, 2015. Collection method: research. Allele origin: germline. Affected: yes. Observed: 1 variant allele. Not counted in ClinVar's aggregate classification.

GeneDx
Classification: Benign. Last evaluated: 2015-03-03. Review status: criteria provided, single submitter. Criteria: GeneDx Variant Classification Process June 2021. Collection method: clinical testing. Allele origin: germline. Affected: yes. Not counted in ClinVar's aggregate classification.

Ambry Genetics
Classification: Likely benign for Hereditary cancer-predisposing syndrome. Last evaluated: 2014-09-11. Review status: criteria provided, single submitter. Criteria: Ambry Variant Classification Scheme 2023. Collection method: clinical testing. Allele origin: germline. Not counted in ClinVar's aggregate classification.

Counsyl
Classification: Benign for Breast-ovarian cancer, familial, susceptibility to, 2. Last evaluated: 2018-03-08. Review status: no assertion criteria provided. Collection method: clinical testing. Allele origin: unknown. Not counted in ClinVar's aggregate classification.

Department of Pathology and Laboratory Medicine, Sinai Health System
Classification: Likely benign for Malignant tumor of breast. Review status: no assertion criteria provided. Collection method: clinical testing. Allele origin: unknown. Affected: yes. Study: The Canadian Open Genetics Repository (COGR). Not counted in ClinVar's aggregate classification.
Comment: The BRCA2 p.Leu709Leu variant is not expected to have clinical significance because it does not result in a change of amino acid and is not located in a known consensus splice site. In addition, in silico or computational prediction software programs (SpliceSiteFinder, MaxEntScan, NNSPLICE, GeneSplicer, HumanSpliceFinder) do not predict a difference in splicing.The p.Leu709Leu variant was identified in the literature in 3 of 3330 proband chromosomes (frequency: 0.001) from individuals with breast cancer and was not identified in 972 control chromosomes from these studies (Kim 2006, Suter 2004). The variant was not identified in any databases searched, including: dbSNP, NHLBI Exome Sequencing Project (Exome Variant Server), Exome Aggregation Consortium (ExAC), HGMD, LOVD, COSMIC, ClinVar, GeneInsight VariantWire, BIC, and UMD. In summary, based on the above information, the clinical significance of this variant cannot be determined with certainty at this time although we would lean towards a more benign role for this variant. This variant is classified as predicted benign.

Literature cited by the submitters: PubMed 16949048 (cited by Quest Diagnostics Nichols Institute San Juan Capistrano); PubMed 17100994 (cited by Quest Diagnostics Nichols Institute San Juan Capistrano and Counsyl); PubMed 27257965 (cited by Laboratory of Molecular Diagnosis of Cancer, West China Hospital, Sichuan University and Counsyl); PubMed 14973102 (cited by Counsyl).